The following is an entry in ClinVar:

ClinVar aggregate classification (germline): Pathogenic (1 of 4 stars; one submission).

Submission:

ISCA site 4
Classification: Pathogenic. Last evaluated: 2011-08-12. Review status: criteria provided, single submitter. Criteria: Kaminsky et al. (Genet Med. 2011). Collection method: clinical testing. Allele origin: unknown. Affected: yes. Observed: 1 variant allele.
Comment: Copy number variation identified through the course of routine clinical cytogenomic testing in postnatal populations. Clinical assertions have been curated as described in Kaminsky et al. 2011.

GRCh38/hg38 11p15.5-15.4(chr11:196966-4435344)x3

Genes: LRRC56 (leucine rich repeat containing 56; plus strand), LSP1 (lymphocyte specific protein 1; plus strand), MIR210 (microRNA 210; minus strand), MIR210HG (MIR210 host gene; minus strand), MIR4298 (microRNA 4298; minus strand) and 329 more. Cytogenetic location: 11p15.5-15.4.
Variant type: copy number gain.
Change: copy number 3 (three copies instead of two) of chr11:196,966-4,435,344 (4.24 Mb, GRCh38 coordinates, 1-based), cytogenetic band 11p15.5-15.4.
Identifiers: ClinVar variation 57258 (VCV000057258.1).